The following is an entry in ClinVar:

NM_000489.6(ATRX):c.1744G>T (p.Val582Leu)

Gene: ATRX (ATRX chromatin remodeler; minus strand). Cytogenetic location: Xq21.1.
Variant type: single nucleotide variant.
Coding change: c.1744G>T on transcript NM_000489.6 (MANE Select); coding-DNA position 1744, G replaced by T.
Protein change: p.Val582Leu; replaces valine 582 with leucine.
Molecular consequence: missense variant.
Genome position (GRCh38, 1-based): chrX:77,683,512, C>A on the plus strand (G>T on the coding strand, the complement: ATRX is on the minus strand). VCF-style: chrX-77683512-C-A. GRCh37 (hg19) VCF-style: chrX-76939004-C-A.
Other names: c.1630G>T, p.Val544Leu (NM_138270.5); short protein forms V582L, V544L.
Identifiers: ClinVar variation 2709529 (VCV002709529.3), dbSNP rs2148615711, ClinGen allele CA413716680.

ClinVar aggregate classification (germline): Uncertain significance (1 of 4 stars; one submission).

Conditions:
Alpha thalassemia-X-linked intellectual disability syndrome (ATRX). Also called: ALPHA-THALASSEMIA/MENTAL RETARDATION SYNDROME, X-LINKED; ATR, NONDELETION TYPE; ATR-X syndrome; Alpha thalassemia mental retardation syndrome, nondeletion type, X-linked; XLMR hypotonic face syndrome; X-linked alpha-thalassemia-mental retardation syndrome. Identifiers: Orphanet 847, MedGen C1845055, MONDO:0010519, OMIM 301040.

Submission:

Labcorp Genetics (formerly Invitae), Labcorp
Classification: Uncertain significance for Alpha thalassemia-X-linked intellectual disability syndrome. Last evaluated: 2024-01-16. Review status: criteria provided, single submitter. Criteria: Invitae Variant Classification Sherloc (09022015). Collection method: clinical testing. Allele origin: germline.
Comment: This sequence change replaces valine, which is neutral and non-polar, with leucine, which is neutral and non-polar, at codon 582 of the ATRX protein (p.Val582Leu). This variant is not present in population databases (gnomAD no frequency). This variant has not been reported in the literature in individuals affected with ATRX-related conditions. Advanced modeling of protein sequence and biophysical properties (such as structural, functional, and spatial information, amino acid conservation, physicochemical variation, residue mobility, and thermodynamic stability) performed at Invitae indicates that this missense variant is not expected to disrupt ATRX protein function with a negative predictive value of 95%. In summary, the available evidence is currently insufficient to determine the role of this variant in disease. Therefore, it has been classified as a Variant of Uncertain Significance.